The following is an entry in ClinVar:

NM_203447.4(DOCK8):c.3217A>G (p.Arg1073Gly)

Gene: DOCK8 (dedicator of cytokinesis 8; plus strand). Cytogenetic location: 9p24.3.
Variant type: single nucleotide variant.
Coding change: c.3217A>G on transcript NM_203447.4 (MANE Select); coding-DNA position 3217, A replaced by G.
Protein change: p.Arg1073Gly; replaces arginine 1073 with glycine.
Molecular consequence: missense variant.
Genome position (GRCh38, 1-based): chr9:399,242, A>G. VCF-style: chr9-399242-A-G. GRCh37 (hg19) VCF-style: chr9-399242-A-G.
Other names: c.2917A>G, p.Arg973Gly (NM_001190458.2); c.3013A>G, p.Arg1005Gly (NM_001193536.2); short protein forms R973G, R1005G, R1073G.
Identifiers: ClinVar variation 2563125 (VCV002563125.4), dbSNP rs1586903036, ClinGen allele CA372755067.
Genomic context (GRCh38, chr9:399,242, plus strand): 5'-GCTTTCTTCTTGTATGACCTTCTCTCCCTCATGGATCGGGGCTTTGTGTTTAACCTCATC[A>G]GACATTATTGCAGCCAGGTGAGTGTCCCCCCCACCCCCACCCCCGAGCGAGCCACTTGGT-3'
Protein context (NP_982272.2, residues 1063-1083): MDRGFVFNLI[Arg1073Gly]HYCSQLSAKL

ClinVar aggregate classification (germline): Uncertain significance. Review status: criteria provided, multiple submitters, no conflicts (2 of 4 stars). 2 submissions from 2 submitters: Uncertain significance (2). Last evaluated 2024-10-26.

Conditions:
Inborn genetic diseases. Identifiers: MedGen C0950123, MeSH D030342.
Combined immunodeficiency due to DOCK8 deficiency (HIES2). Also called: HYPER-IgE RECURRENT INFECTION SYNDROME 2, AUTOSOMAL RECESSIVE; HIES autosomal recessive; Hyper-IgE recurrent infection syndrome, autosomal recessive; HYPER-IgE SYNDROME 2, AUTOSOMAL RECESSIVE, WITH RECURRENT INFECTIONS; DOCK8 Deficiency. Identifiers: Orphanet 217390, MedGen C4722305, MONDO:0009478, OMIM 243700.

Allele frequency attached by ClinVar (database versions not stated): gnomAD exomes below 0.00001; TOPMed below 0.00001.
gnomAD v4.1: 1 of 1,613,578 alleles (0.000062%); highest among the groups gnomAD compares: Non-Finnish European, 0.000085%; no homozygotes.

Submissions (2):

Labcorp Genetics (formerly Invitae), Labcorp
Classification: Uncertain significance for Combined immunodeficiency due to DOCK8 deficiency. Last evaluated: 2024-10-26. Review status: criteria provided, single submitter. Criteria: Invitae Variant Classification Sherloc (09022015). Collection method: clinical testing. Allele origin: germline.
Comment: This sequence change replaces arginine, which is basic and polar, with glycine, which is neutral and non-polar, at codon 1073 of the DOCK8 protein (p.Arg1073Gly). This variant is not present in population databases (gnomAD no frequency). This variant has not been reported in the literature in individuals affected with DOCK8-related conditions. ClinVar contains an entry for this variant (Variation ID: 2563125). Invitae Evidence Modeling of protein sequence and biophysical properties (such as structural, functional, and spatial information, amino acid conservation, physicochemical variation, residue mobility, and thermodynamic stability) indicates that this missense variant is not expected to disrupt DOCK8 protein function with a negative predictive value of 80%. In summary, the available evidence is currently insufficient to determine the role of this variant in disease. Therefore, it has been classified as a Variant of Uncertain Significance.

Ambry Genetics
Classification: Uncertain significance for Inborn genetic diseases. Last evaluated: 2023-06-07. Review status: criteria provided, single submitter. Criteria: Ambry Variant Classification Scheme 2023. Collection method: clinical testing. Allele origin: germline.